The following is an entry in ClinVar:

NM_198525.3(KIF7):c.2165A>G (p.Glu722Gly)

Gene: KIF7 (kinesin family member 7; minus strand). Cytogenetic location: 15q26.1.
Variant type: single nucleotide variant.
Coding change: c.2165A>G on transcript NM_198525.3 (MANE Select); coding-DNA position 2165, A replaced by G.
Protein change: p.Glu722Gly; replaces glutamic acid 722 with glycine.
Molecular consequence: missense variant.
Genome position (GRCh38, 1-based): chr15:89,645,039, T>C on the plus strand (A>G on the coding strand, the complement: KIF7 is on the minus strand). VCF-style: chr15-89645039-T-C. GRCh37 (hg19) VCF-style: chr15-90188270-T-C.
Other names: short protein forms E722G.
Identifiers: ClinVar variation 1392476 (VCV001392476.6), dbSNP rs758416079, ClinGen allele CA7728308.

ClinVar aggregate classification (germline): Uncertain significance. Review status: criteria provided, multiple submitters, no conflicts (2 of 4 stars). 2 submissions from 2 submitters: Uncertain significance (2). Last evaluated 2024-04-09.

Conditions:
Acrocallosal syndrome (ACLS). Also called: Schinzel syndrome 1; Absence of corpus callosum with unusual facial appearance, mental deficiency, duplication of the halluces and polydactyly; HALLUX DUPLICATION, POSTAXIAL POLYDACTYLY, AND ABSENCE OF CORPUS CALLOSUM. Identifiers: Orphanet 36, MedGen C0796147, MONDO:0008708, OMIM 200990.
Multiple epiphyseal dysplasia, Al-Gazali type. Also called: Macrocephaly with multiple epiphyseal dysplasia and distinctive facies. Identifiers: Orphanet 166024, MedGen C1846722, MONDO:0011778, OMIM 607131.
Hydrolethalus syndrome 2 (HLS2). Identifiers: Orphanet 2189, MedGen C3279899, MONDO:0013585, OMIM 614120.

Allele frequency attached by ClinVar (database versions not stated): TOPMed below 0.00001; gnomAD 0.00001; gnomAD exomes 0.00001 and 0.00003; ExAC 0.00002; 1000 Genomes Project 30x 0.00031.
gnomAD v4.1: 8 of 1,607,758 alleles (0.0005%); highest among the groups gnomAD compares: Admixed American, 0.01%; no homozygotes.

Submissions (2):

Fulgent Genetics
Classification: Uncertain significance for Acrocallosal syndrome; Multiple epiphyseal dysplasia, Al-Gazali type; Hydrolethalus syndrome 2. Last evaluated: 2024-04-09. Review status: criteria provided, single submitter. Criteria: ACMG Guidelines, 2015. Collection method: clinical testing. Allele origin: germline.

Labcorp Genetics (formerly Invitae), Labcorp
Classification: Uncertain significance for Acrocallosal syndrome. Last evaluated: 2024-02-24. Review status: criteria provided, single submitter. Criteria: Invitae Variant Classification Sherloc (09022015). Collection method: clinical testing. Allele origin: germline.
Comment: This sequence change replaces glutamic acid, which is acidic and polar, with glycine, which is neutral and non-polar, at codon 722 of the KIF7 protein (p.Glu722Gly). This variant is present in population databases (rs758416079, gnomAD 0.01%). This variant has not been reported in the literature in individuals affected with KIF7-related conditions. ClinVar contains an entry for this variant (Variation ID: 1392476). Advanced modeling of protein sequence and biophysical properties (such as structural, functional, and spatial information, amino acid conservation, physicochemical variation, residue mobility, and thermodynamic stability) performed at Invitae indicates that this missense variant is not expected to disrupt KIF7 protein function with a negative predictive value of 80%. In summary, the available evidence is currently insufficient to determine the role of this variant in disease. Therefore, it has been classified as a Variant of Uncertain Significance.